The following is an entry in ClinVar:

NM_003579.4(RAD54L):c.1479G>T (p.Gln493His)

Gene: RAD54L (RAD54 like; plus strand). Cytogenetic location: 1p34.1.
Variant type: single nucleotide variant.
Coding change: c.1479G>T on transcript NM_003579.4 (MANE Select); coding-DNA position 1479, G replaced by T.
Protein change: p.Gln493His; replaces glutamine 493 with histidine.
Molecular consequence: missense variant.
Genome position (GRCh38, 1-based): chr1:46,273,458, G>T. VCF-style: chr1-46273458-G-T. GRCh37 (hg19) VCF-style: chr1-46739130-G-T.
Other names: c.1479G>T, p.Gln493His (NM_001142548.2); c.939G>T, p.Gln313His (NM_001370766.1); short protein forms Q493H, Q313H.
Identifiers: ClinVar variation 2594541 (VCV002594541.2), dbSNP rs867042148, ClinGen allele CA340181323.

ClinVar aggregate classification (germline): Uncertain significance (1 of 4 stars; one submission).

Allele frequency attached by ClinVar (database versions not stated): gnomAD exomes 0.00001.
gnomAD v4.1: 11 of 1,613,508 alleles (0.00068%); highest among the groups gnomAD compares: Non-Finnish European, 0.00093%; no homozygotes.

Submission:

Ambry Genetics
Classification: Uncertain significance. Last evaluated: 2023-07-21. Review status: criteria provided, single submitter. Criteria: Ambry Variant Classification Scheme 2023. Collection method: clinical testing. Allele origin: germline.
Comment: The p.Q493H variant (also known as c.1479G>T), located in coding exon 13 of the RAD54L gene, results from a G to T substitution at nucleotide position 1479. The glutamine at codon 493 is replaced by histidine, an amino acid with highly similar properties. This amino acid position is conserved. In addition, this alteration is predicted to be tolerated by in silico analysis. Since supporting evidence is limited at this time, the clinical significance of this alteration remains unclear.